The following is an entry in ClinVar:

ClinVar aggregate classification (germline): Uncertain significance (1 of 4 stars; one submission).

Conditions:
Neuronal ceroid lipofuscinosis. Also called: Neuronal Ceroid Lipofuscinoses. Identifiers: Orphanet 216, Orphanet 79263, MedGen C0027877, MONDO:0016295. Disease mechanism: loss of function.

Allele frequency attached by ClinVar (database versions not stated): gnomAD exomes below 0.00001; TOPMed below 0.00001.
gnomAD v4.1: 1 of 1,614,104 alleles (0.000062%); no homozygotes.

Submission:

Labcorp Genetics (formerly Invitae), Labcorp
Classification: Uncertain significance for Neuronal ceroid lipofuscinosis. Last evaluated: 2022-02-04. Review status: criteria provided, single submitter. Criteria: Invitae Variant Classification Sherloc (09022015). Collection method: clinical testing. Allele origin: germline.
Comment: In summary, the available evidence is currently insufficient to determine the role of this variant in disease. Therefore, it has been classified as a Variant of Uncertain Significance. Algorithms developed to predict the effect of missense changes on protein structure and function (SIFT, PolyPhen-2, Align-GVGD) all suggest that this variant is likely to be disruptive. ClinVar contains an entry for this variant (Variation ID: 1034463). This variant has not been reported in the literature in individuals affected with CLN5-related conditions. This variant is not present in population databases (gnomAD no frequency). This sequence change replaces glycine, which is neutral and non-polar, with tryptophan, which is neutral and slightly polar, at codon 228 of the CLN5 protein (p.Gly228Trp).

NM_006493.4(CLN5):c.535G>T (p.Gly179Trp)

Gene: CLN5 (CLN5 lysosomal BMP synthase; plus strand). Cytogenetic location: 13q22.3.
Variant type: single nucleotide variant.
Coding change: c.535G>T on transcript NM_006493.4 (MANE Select); coding-DNA position 535, G replaced by T.
Protein change: p.Gly179Trp; replaces glycine 179 with tryptophan.
Molecular consequence: missense variant.
Genome position (GRCh38, 1-based): chr13:76,996,097, G>T. VCF-style: chr13-76996097-G-T. GRCh37 (hg19) VCF-style: chr13-77570232-G-T.
Other names: c.535G>T, p.Gly179Trp (NM_001366624.2); short protein forms G179W.
Identifiers: ClinVar variation 1034463 (VCV001034463.10), dbSNP rs2034263363, ClinGen allele CA388309532.